The following is an entry in ClinVar:

ClinVar aggregate classification (germline): Uncertain significance. Review status: criteria provided, multiple submitters, no conflicts (2 of 4 stars). 3 submissions from 3 submitters: Uncertain significance (3). Last evaluated 2024-10-25.

Conditions:
Inborn genetic diseases. Identifiers: MedGen C0950123, MeSH D030342.

Allele frequency attached by ClinVar (database versions not stated): ExAC 0.00006.
gnomAD v4.1: 38 of 1,613,962 alleles (0.0024%); highest among the groups gnomAD compares: Admixed American, 0.01%; 1 homozygote.

Submissions (3):

Blueprint Genetics
Classification: Uncertain significance. Last evaluated: 2024-10-25. Review status: criteria provided, single submitter. Criteria: ACMG Guidelines, 2015. Collection method: clinical testing. Allele origin: germline.

Ambry Genetics
Classification: Uncertain significance for Inborn genetic diseases. Last evaluated: 2023-03-22. Review status: criteria provided, single submitter. Criteria: Ambry Variant Classification Scheme 2023. Collection method: clinical testing. Allele origin: germline.

Labcorp Genetics (formerly Invitae), Labcorp
Classification: Uncertain significance. Last evaluated: 2022-05-25. Review status: criteria provided, single submitter. Criteria: Invitae Variant Classification Sherloc (09022015). Collection method: clinical testing. Allele origin: germline.
Comment: In summary, the available evidence is currently insufficient to determine the role of this variant in disease. Therefore, it has been classified as a Variant of Uncertain Significance. This sequence change replaces arginine, which is basic and polar, with cysteine, which is neutral and slightly polar, at codon 281 of the ATP6V0A4 protein (p.Arg281Cys). This variant is present in population databases (rs765508266, gnomAD 0.01%), including at least one homozygous and/or hemizygous individual. This variant has not been reported in the literature in individuals affected with ATP6V0A4-related conditions. Algorithms developed to predict the effect of missense changes on protein structure and function are either unavailable or do not agree on the potential impact of this missense change (SIFT: "Deleterious"; PolyPhen-2: "Probably Damaging"; Align-GVGD: "Class C0").

NM_020632.3(ATP6V0A4):c.841C>T (p.Arg281Cys)

Gene: ATP6V0A4 (ATPase H+ transporting V0 subunit a4; minus strand). Cytogenetic location: 7q34.
Variant type: single nucleotide variant.
Coding change: c.841C>T on transcript NM_020632.3 (MANE Select); coding-DNA position 841, C replaced by T.
Protein change: p.Arg281Cys; replaces arginine 281 with cysteine.
Molecular consequence: missense variant.
Genome position (GRCh38, 1-based): chr7:138,752,813, G>A on the plus strand (C>T on the coding strand, the complement: ATP6V0A4 is on the minus strand). VCF-style: chr7-138752813-G-A. GRCh37 (hg19) VCF-style: chr7-138437558-G-A.
Other names: c.841C>T, p.Arg281Cys (NM_130841.3, NM_130840.3); c.841C>T (NM_020632.2); short protein forms R281C.
Identifiers: ClinVar variation 1898348 (VCV001898348.8), dbSNP rs765508266, ClinGen allele CA4504962.